The following is an entry in ClinVar:

NM_018124.4(RFWD3):c.184A>T (p.Ser62Cys)

Gene: RFWD3 (ring finger and WD repeat domain 3; minus strand). Cytogenetic location: 16q23.1.
Variant type: single nucleotide variant.
Coding change: c.184A>T on transcript NM_018124.4 (MANE Select); coding-DNA position 184, A replaced by T.
Protein change: p.Ser62Cys; replaces serine 62 with cysteine.
Molecular consequence: missense variant. On other transcripts: 5 prime UTR variant (4), intron variant (1).
Genome position (GRCh38, 1-based): chr16:74,661,266, T>A on the plus strand (A>T on the coding strand, the complement: RFWD3 is on the minus strand). VCF-style: chr16-74661266-T-A. GRCh37 (hg19) VCF-style: chr16-74695164-T-A.
Other names: c.184A>T, p.Ser62Cys (NM_001370534.1, NM_001370535.1, NM_001370536.1); c.-825A>T (NM_001370537.1); c.-448A>T (NM_001370539.1, NM_001370541.1); c.-702A>T (NM_001370542.1); c.-580A>T (NM_001370543.1); c.-317+3358A>T (NM_001370540.1); short protein forms S62C.
Identifiers: ClinVar variation 2709298 (VCV002709298.3), dbSNP rs2544143535, ClinGen allele CA396764445.

ClinVar aggregate classification (germline): Uncertain significance (1 of 4 stars; one submission).

Submission:

Labcorp Genetics (formerly Invitae), Labcorp
Classification: Uncertain significance. Last evaluated: 2025-11-03. Review status: criteria provided, single submitter. Criteria: Invitae Variant Classification Sherloc (09022015). Collection method: clinical testing. Allele origin: germline.
Comment: This sequence change replaces serine, which is neutral and polar, with cysteine, which is neutral and slightly polar, at codon 62 of the RFWD3 protein (p.Ser62Cys). This variant is not present in population databases (gnomAD no frequency). This variant has not been reported in the literature in individuals affected with RFWD3-related conditions. ClinVar contains an entry for this variant (Variation ID: 2709298). An algorithm developed to predict the effect of missense changes on protein structure and function (PolyPhen-2) suggests that this variant is likely to be tolerated. In summary, the available evidence is currently insufficient to determine the role of this variant in disease. Therefore, it has been classified as a Variant of Uncertain Significance.